The following is an entry in ClinVar:

NM_000543.5(SMPD1):c.1299T>G (p.Cys433Trp)

Gene: SMPD1 (sphingomyelin phosphodiesterase 1; plus strand). Cytogenetic location: 11p15.4.
Variant type: single nucleotide variant.
Coding change: c.1299T>G on transcript NM_000543.5 (MANE Select); coding-DNA position 1299, T replaced by G.
Protein change: p.Cys433Trp; replaces cysteine 433 with tryptophan.
Molecular consequence: missense variant. On other transcripts: non-coding transcript variant (2).
Genome position (GRCh38, 1-based): chr11:6,393,652, T>G. VCF-style: chr11-6393652-T-G. GRCh37 (hg19) VCF-style: chr11-6414882-T-G.
Other names: c.1296T>G, p.Cys432Trp (NM_001007593.3); c.1299T>G, p.Cys433Trp (NM_001318087.2); c.378T>G, p.Cys126Trp (NM_001318088.2); c.1167T>G, p.Cys389Trp (NM_001365135.2); short protein forms C433W, C126W, C389W, C432W.
Identifiers: ClinVar variation 93313 (VCV000093313.11), dbSNP rs398123475, ClinGen allele CA221144.

ClinVar aggregate classification (germline): Conflicting classifications of pathogenicity. Review status: criteria provided, conflicting classifications (1 of 4 stars). 5 submissions from 4 submitters: Likely pathogenic (1); Uncertain significance (2). 2 of the submissions do not count toward it. Last evaluated 2024-10-09.

Conditions:
Niemann-Pick disease, type A. Also called: Infantile Neurovisceral ASMD (Niemann-Pick Disease Type A; NPD-A); SPHINGOMYELIN LIPIDOSIS; SPHINGOMYELINASE DEFICIENCY. Identifiers: Orphanet 77292, MedGen C0268242, MONDO:0009756, OMIM 257200. Disease mechanism: loss of function.
Niemann-Pick disease, type B. Also called: Chronic Visceral ASMD (Niemann-Pick Disease Type B; NPD-B). Identifiers: Orphanet 77293, MedGen C0268243, MONDO:0011871, OMIM 607616. Disease mechanism: loss of function.

Allele frequency attached by ClinVar (database versions not stated): TOPMed 0.00001; gnomAD 0.00001.
gnomAD v4.1: 4 of 1,613,856 alleles (0.00025%); highest among the groups gnomAD compares: Admixed American, 0.0033%; no homozygotes.

Submissions (5):

Mayo Clinic Laboratories, Mayo Clinic
Classification: Uncertain significance. Last evaluated: 2024-10-09. Review status: criteria provided, single submitter. Criteria: ACMG Guidelines, 2015. Collection method: clinical testing. Allele origin: germline. Observed: 1 variant allele.
Comment: PP3, PM2_supporting, PM5

Labcorp Genetics (formerly Invitae), Labcorp
Classification: Uncertain significance for Niemann-Pick disease, type B; Niemann-Pick disease, type A. Last evaluated: 2024-09-10. Review status: criteria provided, single submitter. Criteria: Invitae Variant Classification Sherloc (09022015). Collection method: clinical testing. Allele origin: germline.
Comment: This sequence change replaces cysteine, which is neutral and slightly polar, with tryptophan, which is neutral and slightly polar, at codon 433 of the SMPD1 protein (p.Cys433Trp). This variant is not present in population databases (gnomAD no frequency). This variant has not been reported in the literature in individuals affected with SMPD1-related conditions. ClinVar contains an entry for this variant (Variation ID: 93313). Invitae Evidence Modeling of protein sequence and biophysical properties (such as structural, functional, and spatial information, amino acid conservation, physicochemical variation, residue mobility, and thermodynamic stability) has been performed for this missense variant. However, the output from this modeling did not meet the statistical confidence thresholds required to predict the impact of this variant on SMPD1 protein function. This variant disrupts the p.Cys433 amino acid residue in SMPD1. Other variant(s) that disrupt this residue have been determined to be pathogenic (PMID: 12369017, 27338287). This suggests that this residue is clinically significant, and that variants that disrupt this residue are likely to be disease-causing. In summary, the available evidence is currently insufficient to determine the role of this variant in disease. Therefore, it has been classified as a Variant of Uncertain Significance.

Eurofins Ntd Llc (ga)
Classification: Likely pathogenic. Last evaluated: 2016-01-12. Review status: criteria provided, single submitter. Criteria: EGL Classification Definitions. Collection method: clinical testing. Allele origin: germline. Observed: 6 variant alleles, 6 heterozygotes.

Counsyl
Classification: Uncertain significance for Niemann-Pick disease, type A. Last evaluated: 2016-05-11. Review status: no assertion criteria provided. Collection method: clinical testing. Allele origin: unknown. Not counted in ClinVar's aggregate classification.

Counsyl
Classification: Uncertain significance for Niemann-Pick disease, type B. Last evaluated: 2016-05-11. Review status: no assertion criteria provided. Collection method: clinical testing. Allele origin: unknown. Not counted in ClinVar's aggregate classification.

Literature cited by the submitters: PubMed 12369017 (cited by Mayo Clinic Laboratories, Mayo Clinic and Labcorp Genetics (formerly Invitae), Labcorp); PubMed 27338287 (cited by Mayo Clinic Laboratories, Mayo Clinic and Labcorp Genetics (formerly Invitae), Labcorp).